The following is an entry in ClinVar:

NM_000016.6(ACADM):c.1189_1192del (p.Tyr397fs)

Gene: ACADM (acyl-CoA dehydrogenase medium chain; plus strand). Cytogenetic location: 1p31.1.
Variant type: Deletion.
Coding change: c.1189_1192del on transcript NM_000016.6 (MANE Select); coding-DNA positions 1189 to 1192, 4 bases deleted (TATC; older notation c.1189_1192delTATC).
Protein change: p.Tyr397fs; shifts the reading frame from tyrosine 397.
Molecular consequence: frameshift variant.
Genome position (GRCh38, 1-based): chr1:75,761,365-75,761,368, TATC deleted; deleting any 4 consecutive bases within chr1:75,761,362-75,761,368 gives the same sequence; the c. name uses the placement nearest the transcript's 3' end. VCF-style (leftmost placement, unchanged base first): chr1-75761361-AATCT-A. GRCh37 (hg19) VCF-style: chr1-76227046-AATCT-A.
Other names: c.1201_1204del, p.Tyr401fs (NM_001127328.3); c.1081_1084del, p.Tyr361fs (NM_001286042.2); c.1288_1291del, p.Tyr430fs (NM_001286043.2); c.622_625del, p.Tyr208fs (NM_001286044.2); short protein forms Y208fs, Y361fs, Y430fs, Y401fs, Y397fs.
Identifiers: ClinVar variation 2114054 (VCV002114054.4), dbSNP rs2525699808, ClinGen allele CA2580063234.
Genomic context (GRCh38, chr1:75,761,361, plus strand): 5'-ACTTGGAGGCAATGGATTTAATACAGAATATCCTGTAGAAAAACTAATGAGGGATGCCAA[AATCT>A]ATCAGGTAAGGTTAAAGATGATTTTTTTGGTTTGCAAGGAGAGAGAATATTCATAAATGA-3'

ClinVar aggregate classification (germline): Pathogenic (1 of 4 stars; one submission).

Conditions:
Medium-chain acyl-coenzyme A dehydrogenase deficiency (ACADMD). Also called: MCADH DEFICIENCY; ACADM DEFICIENCY; MCADD; MCAD Deficiency; CARNITINE DEFICIENCY SECONDARY TO MEDIUM-CHAIN ACYL-CoA DEHYDROGENASE DEFICIENCY; Medium chain acyl-CoA dehydrogenase deficiency. Identifiers: Orphanet 42, MedGen C0220710, MONDO:0008721, OMIM 201450.

Submission:

Labcorp Genetics (formerly Invitae), Labcorp
Classification: Pathogenic for Medium-chain acyl-coenzyme A dehydrogenase deficiency. Last evaluated: 2022-03-18. Review status: criteria provided, single submitter. Criteria: Invitae Variant Classification Sherloc (09022015). Collection method: clinical testing. Allele origin: germline.
Comment: This sequence change creates a premature translational stop signal (p.Tyr397Argfs*14) in the ACADM gene. While this is not anticipated to result in nonsense mediated decay, it is expected to disrupt the last 25 amino acid(s) of the ACADM protein. For these reasons, this variant has been classified as Pathogenic. This variant disrupts a region of the ACADM protein in which other variant(s) (p.Ile416Thr) have been determined to be pathogenic (PMID: 20434380, 23430840, 26947917; Invitae). This suggests that this is a clinically significant region of the protein, and that variants that disrupt it are likely to be disease-causing. This variant has not been reported in the literature in individuals affected with ACADM-related conditions. This variant is not present in population databases (gnomAD no frequency).

Literature cited by the submitters: PubMed 20434380; PubMed 23430840; PubMed 26947917.